The following is an entry in ClinVar:

NM_015331.3(NCSTN):c.395C>G (p.Ser132Ter)

Gene: NCSTN (nicastrin; plus strand). Cytogenetic location: 1q23.2.
Variant type: single nucleotide variant.
Coding change: c.395C>G on transcript NM_015331.3 (MANE Select); coding-DNA position 395, C replaced by G.
Protein change: p.Ser132Ter; replaces serine 132 with a stop codon.
Molecular consequence: nonsense.
Genome position (GRCh38, 1-based): chr1:160,349,629, C>G. VCF-style: chr1-160349629-C-G. GRCh37 (hg19) VCF-style: chr1-160319419-C-G.
Other names: c.335C>G, p.Ser112Ter (NM_001290184.2); c.395C>G, p.Ser132Ter (NM_001290186.2, NM_001349729.2); short protein forms S112*, S132*.
Identifiers: ClinVar variation 5005067 (VCV005005067.2).

ClinVar aggregate classification (germline): Likely pathogenic (1 of 4 stars; one submission).

Conditions:
Acne inversa, familial, 1. Identifiers: MedGen C4551962, MONDO:0007728, OMIM 142690.

Submission:

Juno Genomics, Hangzhou Juno Genomics, Inc
Classification: Likely pathogenic for Acne inversa, familial, 1. Review status: criteria provided, single submitter. Criteria: ACMG Guidelines, 2015. Collection method: clinical testing. Allele origin: germline.
Comment: Null variant in a gene where loss of function (LOF) is a known mechanism of disease.;Absent from controls (or at extremely low frequency if recessive) in Genome Aggregation Database.